The following is an entry in ClinVar:

ClinVar aggregate classification (germline): Uncertain significance (1 of 4 stars; one submission).

Submission:

Women's Health and Genetics/Laboratory Corporation of America, LabCorp
Classification: Uncertain significance. Last evaluated: 2025-06-09. Review status: criteria provided, single submitter. Criteria: LabCorp Variant Classification Summary - May 2015. Collection method: clinical testing. Allele origin: germline.
Comment: Variant summary: MAF c.994C>A (p.Gln332Lys) results in a conservative amino acid change in the encoded protein sequence. Algorithms developed to predict the effect of missense changes on protein structure and function are either unavailable or do not agree on the potential impact of this missense change. The variant allele was found at a frequency of 8e-06 in 251330 control chromosomes (gnomAD). The available data on variant occurrences in the general population are insufficient to allow any conclusion about variant significance. To our knowledge, no occurrence of c.994C>A in individuals affected with MAF-Related Disorders and no experimental evidence demonstrating its impact on protein function have been reported. No submitters have cited clinical-significance assessments for this variant to ClinVar. Based on the evidence outlined above, the variant was classified as uncertain significance.

NM_005360.5(MAF):c.994C>A (p.Gln332Lys)

Gene: MAF (MAF bZIP transcription factor; minus strand). Cytogenetic location: 16q23.2.
Variant type: single nucleotide variant.
Coding change: c.994C>A on transcript NM_005360.5 (MANE Select); coding-DNA position 994, C replaced by A.
Protein change: p.Gln332Lys; replaces glutamine 332 with lysine.
Molecular consequence: missense variant.
Genome position (GRCh38, 1-based): chr16:79,598,909, G>T on the plus strand (C>A on the coding strand, the complement: MAF is on the minus strand). VCF-style: chr16-79598909-G-T. GRCh37 (hg19) VCF-style: chr16-79632806-G-T.
Other names: c.994C>A, p.Gln332Lys (NM_001031804.3); short protein forms Q332K.
Identifiers: ClinVar variation 3907302 (VCV003907302.1).